The following is an entry in ClinVar:

NM_000492.4(CFTR):c.1269T>A (p.Asn423Lys)

Genes: CFTR (CF transmembrane conductance regulator; plus strand), CFTR-AS1 (CFTR antisense RNA 1; minus strand). Cytogenetic location: 7q31.2.
Variant type: single nucleotide variant.
Coding change: c.1269T>A on transcript NM_000492.4 (MANE Select); coding-DNA position 1269, T replaced by A.
Protein change: p.Asn423Lys; replaces asparagine 423 with lysine.
Molecular consequence: missense variant.
Genome position (GRCh38, 1-based): chr7:117,548,700, T>A. VCF-style: chr7-117548700-T-A. GRCh37 (hg19) VCF-style: chr7-117188754-T-A.
Other names: short protein forms N423K.
Identifiers: ClinVar variation 655139 (VCV000655139.11), dbSNP rs376039579, ClinGen allele CA4450964.

ClinVar aggregate classification (germline): Uncertain significance. Review status: criteria provided, multiple submitters, no conflicts (2 of 4 stars). 5 submissions from 5 submitters: Uncertain significance (4). 1 of the submissions does not count toward it. Last evaluated 2026-07-02.

Conditions:
Cystic fibrosis (CF). Also called: MUCOVISCIDOSIS. Identifiers: Orphanet 586, MedGen C0010674, MONDO:0009061, OMIM 219700. Disease mechanism: loss of function.
CFTR-related disorder (CFTR-RD). Also called: CFTR-related condition; CFTR-related disorders. Identifiers: MedGen C5924204, MONDO:7770004.

Allele frequency attached by ClinVar (database versions not stated): gnomAD below 0.00001 and 0.00001; gnomAD exomes 0.00001; ExAC 0.00003; 1000 Genomes Project 30x 0.00016; 1000 Genomes Project 0.00020.
gnomAD v4.1: 16 of 1,613,464 alleles (0.00099%); highest among the groups gnomAD compares: East Asian, 0.0067%; no homozygotes.

Submissions (5):

PreventionGenetics, part of Exact Sciences
Classification: Uncertain significance for CFTR-related condition. Last evaluated: 2026-07-02. Review status: criteria provided, single submitter. Criteria: ACMG Guidelines, 2015. Collection method: clinical testing. Allele origin: germline.
Comment: The CFTR c.1269T>A variant is predicted to result in the amino acid substitution p.Asn423Lys. To our knowledge, this variant has not been reported in the literature. This variant is reported in 0.0066% of alleles in individuals of South Asian descent in gnomAD. At this time, the clinical significance of this variant is uncertain due to the absence of conclusive functional and genetic evidence.

Labcorp Genetics (formerly Invitae), Labcorp
Classification: Uncertain significance for Cystic fibrosis. Last evaluated: 2025-10-09. Review status: criteria provided, single submitter. Criteria: Invitae Variant Classification Sherloc (09022015). Collection method: clinical testing. Allele origin: germline.
Comment: This sequence change replaces asparagine, which is neutral and polar, with lysine, which is basic and polar, at codon 423 of the CFTR protein (p.Asn423Lys). The frequency data for this variant in the population databases is considered unreliable, as metrics indicate poor data quality at this position in the gnomAD database. This variant has not been reported in the literature in individuals affected with CFTR-related conditions. ClinVar contains an entry for this variant (Variation ID: 655139). Invitae Evidence Modeling of protein sequence and biophysical properties (such as structural, functional, and spatial information, amino acid conservation, physicochemical variation, residue mobility, and thermodynamic stability) has been performed for this missense variant. However, the output from this modeling did not meet the statistical confidence thresholds required to predict the impact of this variant on CFTR protein function. In summary, the available evidence is currently insufficient to determine the role of this variant in disease. Therefore, it has been classified as a Variant of Uncertain Significance.

Ambry Genetics
Classification: Uncertain significance for Cystic fibrosis. Last evaluated: 2023-01-17. Review status: criteria provided, single submitter. Criteria: Ambry Variant Classification Scheme 2023. Collection method: clinical testing. Allele origin: germline.
Comment: The p.N423K variant (also known as c.1269T>A), located in coding exon 10 of the CFTR gene, results from a T to A substitution at nucleotide position 1269. The asparagine at codon 423 is replaced by lysine, an amino acid with similar properties. This amino acid position is not well conserved in available vertebrate species. In addition, this alteration is predicted to be tolerated by in silico analysis. Since supporting evidence is limited at this time, the clinical significance of this alteration remains unclear.

Quest Diagnostics Nichols Institute San Juan Capistrano
Classification: Uncertain significance. Last evaluated: 2021-06-09. Review status: criteria provided, single submitter. Criteria: Quest Diagnostics criteria. Collection method: clinical testing. Allele origin: unknown.

Natera, Inc.
Classification: Uncertain significance for Cystic Fibrosis. Last evaluated: 2020-09-16. Review status: no assertion criteria provided. Collection method: clinical testing. Allele origin: germline. Not counted in ClinVar's aggregate classification.